The following is an entry in ClinVar:

ClinVar aggregate classification (germline): Likely benign (1 of 4 stars; one submission).

Allele frequency attached by ClinVar (database versions not stated): TOPMed 0.00001; gnomAD exomes 0.00005.
gnomAD v4.1: 20 of 1,169,474 alleles (0.0017%); no homozygotes.

Submission:

CeGaT Center for Human Genetics Tuebingen
Classification: Likely benign. Last evaluated: 2022-10-01. Review status: criteria provided, single submitter. Criteria: CeGaT Center For Human Genetics Tuebingen Variant Classification Criteria Version 2. Collection method: clinical testing. Allele origin: germline. Affected: yes. Observed: 1 variant allele.
Comment: USP27X: BP4, BP7

NM_001145073.3(USP27X):c.978C>T (p.Tyr326=)

Gene: USP27X (ubiquitin specific peptidase 27 X-linked; plus strand). Cytogenetic location: Xp11.23.
Variant type: single nucleotide variant.
Coding change: c.978C>T on transcript NM_001145073.3 (MANE Select); coding-DNA position 978, C replaced by T.
Protein change: p.Tyr326=; no amino-acid change (tyrosine 326 retained).
Molecular consequence: synonymous variant.
Genome position (GRCh38, 1-based): chrX:49,881,285, C>T. VCF-style: chrX-49881285-C-T. GRCh37 (hg19) VCF-style: chrX-49645888-C-T.
Identifiers: ClinVar variation 2660538 (VCV002660538.24), dbSNP rs782092833, ClinGen allele CA10413421.
Genomic context (GRCh38, chrX:49,881,285, plus strand): 5'-CTGTTTTCATTTCAAACGGTTTGAACATTCAGCGAAACAGAGGCGCAAGATCACTACATA[C>T]ATTTCCTTTCCTCTGGAGCTGGATATGACGCCGTTTATGGCCTCAAGTAAAGAGAGCAGA-3'
Protein context (NP_001138545.1, residues 316-336): SAKQRRKITT[Tyr326=]ISFPLELDMT